The following is an entry in ClinVar:

NM_207346.3(TSEN54):c.1280T>C (p.Leu427Pro)

Gene: TSEN54 (tRNA splicing endonuclease subunit 54; plus strand). Cytogenetic location: 17q25.1.
Variant type: single nucleotide variant.
Coding change: c.1280T>C on transcript NM_207346.3 (MANE Select); coding-DNA position 1280, T replaced by C.
Protein change: p.Leu427Pro; replaces leucine 427 with proline.
Molecular consequence: missense variant.
Genome position (GRCh38, 1-based): chr17:75,523,302, T>C. VCF-style: chr17-75523302-T-C. GRCh37 (hg19) VCF-style: chr17-73519383-T-C.
Other names: short protein forms L427P.
Identifiers: ClinVar variation 1029380 (VCV001029380.1), dbSNP rs2053450384, ClinGen allele CA401030497.

ClinVar aggregate classification (germline): Uncertain significance (1 of 4 stars; one submission).

Conditions:
Pontocerebellar hypoplasia type 2A (PCH2A). Also called: VOLENDAM NEURODEGENERATIVE DISEASE; PONTOCEREBELLAR HYPOPLASIA WITH PROGRESSIVE CEREBRAL ATROPHY. Identifiers: Orphanet 2524, MedGen C1848526, MONDO:0010190, OMIM 277470.

Submission:

Baylor Genetics
Classification: Uncertain significance for Pontocerebellar hypoplasia type 2A. Last evaluated: 2019-04-11. Review status: criteria provided, single submitter. Criteria: ACMG Guidelines, 2015. Collection method: clinical testing. Allele origin: maternal. Affected: yes.
Comment: This variant was determined to be of uncertain significance according to ACMG Guidelines, 2015 [PMID:25741868].